The following is an entry in ClinVar:

ClinVar aggregate classification (germline): Uncertain significance (1 of 4 stars; one submission).

Submission:

Ambry Genetics
Classification: Uncertain significance. Last evaluated: 2025-12-21. Review status: criteria provided, single submitter. Criteria: Ambry Variant Classification Scheme 2023. Collection method: clinical testing. Allele origin: germline.
Comment: The p.Y105H variant (also known as c.313T>C), located in coding exon 3 of the KIF1B gene, results from a T to C substitution at nucleotide position 313. The tyrosine at codon 105 is replaced by histidine, an amino acid with similar properties. This amino acid position is conserved. In addition, this alteration is predicted to be deleterious by in silico analysis. Based on the available evidence, the clinical significance of this variant remains unclear.

NM_001365951.3(KIF1B):c.313T>C (p.Tyr105His)

Gene: KIF1B (kinesin family member 1B; plus strand). Cytogenetic location: 1p36.22.
Variant type: single nucleotide variant.
Coding change: c.313T>C on transcript NM_001365951.3 (MANE Select); coding-DNA position 313, T replaced by C.
Protein change: p.Tyr105His; replaces tyrosine 105 with histidine.
Molecular consequence: missense variant.
Genome position (GRCh38, 1-based): chr1:10,258,622, T>C. VCF-style: chr1-10258622-T-C. GRCh37 (hg19) VCF-style: chr1-10318680-T-C.
Other names: c.313T>C, p.Tyr105His (NM_001365952.1, NM_001365953.1, NM_015074.3 and 1 more transcripts); short protein forms Y105H.
Identifiers: ClinVar variation 4841872 (VCV004841872.1).
Genomic context (GRCh38, chr1:10,258,622, plus strand): 5'-GCCTTTGAGGGATATAATGTCTGTATTTTTGCCTATGGGCAGACTGGTGCTGGAAAATCT[T>C]ATACAATGATGGGTAAACAAGAAGAAAGCCAGGCTGGCATCATTCCACAGGTGAAAAACA-3'
Protein context (NP_001352880.1, residues 95-115): AYGQTGAGKS[Tyr105His]TMMGKQEESQ